The following is an entry in ClinVar:

NM_002234.4(KCNA5):c.1693A>C (p.Lys565Gln)

Gene: KCNA5 (potassium voltage-gated channel subfamily A member 5; plus strand). Cytogenetic location: 12p13.32.
Variant type: single nucleotide variant.
Coding change: c.1693A>C on transcript NM_002234.4 (MANE Select); coding-DNA position 1693, A replaced by C.
Protein change: p.Lys565Gln; replaces lysine 565 with glutamine.
Molecular consequence: missense variant.
Genome position (GRCh38, 1-based): chr12:5,045,840, A>C. VCF-style: chr12-5045840-A-C. GRCh37 (hg19) VCF-style: chr12-5155006-A-C.
Other names: short protein forms K565Q.
Identifiers: ClinVar variation 2057725 (VCV002057725.4), dbSNP rs1259756982, ClinGen allele CA383467025.

ClinVar aggregate classification (germline): Uncertain significance (1 of 4 stars; one submission).

Conditions:
Atrial fibrillation, familial, 7 (ATFB7). Identifiers: MedGen C2677106, MONDO:0012828, OMIM 612240.

Allele frequency attached by ClinVar (database versions not stated): gnomAD exomes below 0.00001; TOPMed below 0.00001; gnomAD 0.00001.
gnomAD v4.1: 3 of 1,613,994 alleles (0.00019%); highest among the groups gnomAD compares: Non-Finnish European, 0.00025%; no homozygotes.

Submission:

Labcorp Genetics (formerly Invitae), Labcorp
Classification: Uncertain significance for Atrial fibrillation, familial, 7. Last evaluated: 2021-12-27. Review status: criteria provided, single submitter. Criteria: Invitae Variant Classification Sherloc (09022015). Collection method: clinical testing. Allele origin: germline.
Comment: In summary, the available evidence is currently insufficient to determine the role of this variant in disease. Therefore, it has been classified as a Variant of Uncertain Significance. Algorithms developed to predict the effect of missense changes on protein structure and function (SIFT, PolyPhen-2, Align-GVGD) all suggest that this variant is likely to be tolerated. This variant has not been reported in the literature in individuals affected with KCNA5-related conditions. This variant is not present in population databases (gnomAD no frequency). This sequence change replaces lysine, which is basic and polar, with glutamine, which is neutral and polar, at codon 565 of the KCNA5 protein (p.Lys565Gln).